The following is an entry in ClinVar:

NM_176787.5(PIGN):c.2635G>A (p.Val879Ile)

Gene: PIGN (phosphatidylinositol glycan anchor biosynthesis class N; minus strand). Cytogenetic location: 18q21.33.
Variant type: single nucleotide variant.
Coding change: c.2635G>A on transcript NM_176787.5 (MANE Select); coding-DNA position 2635, G replaced by A.
Protein change: p.Val879Ile; replaces valine 879 with isoleucine.
Molecular consequence: missense variant.
Genome position (GRCh38, 1-based): chr18:62,072,710, C>T on the plus strand (G>A on the coding strand, the complement: PIGN is on the minus strand). VCF-style: chr18-62072710-C-T. GRCh37 (hg19) VCF-style: chr18-59739943-C-T.
Other names: c.2635G>A, p.Val879Ile (NM_012327.6); short protein forms V879I.
Identifiers: ClinVar variation 938970 (VCV000938970.1), dbSNP rs770276209, ClinGen allele CA8981908.

ClinVar aggregate classification (germline): Uncertain significance (1 of 4 stars; one submission).

Conditions:
Multiple congenital anomalies-hypotonia-seizures syndrome 1 (MCAHS1). Also called: PIGN-CDG; Congenital disorder of glycosylation due to PIGN deficiency; GLYCOSYLPHOSPHATIDYLINOSITOL BIOSYNTHESIS DEFECT 3. Identifiers: Orphanet 280633, MedGen C3279775, MONDO:0013563, OMIM 614080.

Allele frequency attached by ClinVar (database versions not stated): ExAC below 0.00001; gnomAD exomes below 0.00001; gnomAD 0.00001.
gnomAD v4.1: 2 of 1,577,042 alleles (0.00013%); highest among the groups gnomAD compares: Admixed American, 0.0018%; no homozygotes.

Submission:

Labcorp Genetics (formerly Invitae), Labcorp
Classification: Uncertain significance for Multiple congenital anomalies-hypotonia-seizures syndrome 1. Last evaluated: 2019-10-23. Review status: criteria provided, single submitter. Criteria: Invitae Variant Classification Sherloc (09022015). Collection method: clinical testing. Allele origin: germline.
Comment: This sequence change replaces valine with isoleucine at codon 879 of the PIGN protein (p.Val879Ile). The valine residue is highly conserved and there is a small physicochemical difference between valine and isoleucine. The frequency data for this variant in the population databases is considered unreliable, as metrics indicate poor data quality at this position in the ExAC database. This variant has not been reported in the literature in individuals with PIGN-related conditions. Algorithms developed to predict the effect of missense changes on protein structure and function output the following: SIFT: "Tolerated"; PolyPhen-2: "Benign"; Align-GVGD: "Class C0". The isoleucine amino acid residue is found in multiple mammalian species, suggesting that this missense change does not adversely affect protein function. These predictions have not been confirmed by published functional studies and their clinical significance is uncertain. In summary, the available evidence is currently insufficient to determine the role of this variant in disease. Therefore, it has been classified as a Variant of Uncertain Significance.